The following is an entry in ClinVar:

ClinVar aggregate classification (germline): Uncertain significance (1 of 4 stars; one submission).

Conditions:
Hereditary cancer-predisposing syndrome. Also called: Neoplastic Syndromes, Hereditary; Tumor predisposition; Hereditary neoplastic syndrome; Hereditary Cancer Syndrome. Identifiers: Orphanet 140162, MedGen C0027672, MeSH D009386, MONDO:0015356.

Submission:

Ambry Genetics
Classification: Uncertain significance for Hereditary cancer-predisposing syndrome. Last evaluated: 2023-01-13. Review status: criteria provided, single submitter. Criteria: Ambry Variant Classification Scheme 2023. Collection method: clinical testing. Allele origin: germline.
Comment: The p.K898N variant (also known as c.2694G>T), located in coding exon 11 of the MET gene, results from a G to T substitution at nucleotide position 2694. The lysine at codon 898 is replaced by asparagine, an amino acid with similar properties. This amino acid position is conserved. In addition, this alteration is predicted to be tolerated by in silico analysis. Since supporting evidence is limited at this time, the clinical significance of this alteration remains unclear.

NM_000245.4(MET):c.2640G>T (p.Lys880Asn)

Gene: MET (MET proto-oncogene, receptor tyrosine kinase; plus strand). Cytogenetic location: 7q31.2.
Variant type: single nucleotide variant.
Coding change: c.2640G>T on transcript NM_000245.4 (MANE Select); coding-DNA position 2640, G replaced by T.
Protein change: p.Lys880Asn; replaces lysine 880 with asparagine.
Molecular consequence: missense variant.
Genome position (GRCh38, 1-based): chr7:116,769,701, G>T. VCF-style: chr7-116769701-G-T. GRCh37 (hg19) VCF-style: chr7-116409755-G-T.
Other names: c.2694G>T, p.Lys898Asn (NM_001127500.3); c.2640G>T, p.Lys880Asn (NM_001324401.3); c.1350G>T, p.Lys450Asn (NM_001324402.2); short protein forms K450N, K898N, K880N.
Identifiers: ClinVar variation 2453400 (VCV002453400.2), dbSNP rs2116983311, ClinGen allele CA368985490.